The following is an entry in ClinVar:

ClinVar aggregate classification (germline): Uncertain significance (1 of 4 stars; one submission).

Conditions:
Familial hypokalemia-hypomagnesemia (GTLMNS). Also called: gitelman syndrome; HYPOMAGNESEMIA-HYPOKALEMIA, PRIMARY RENOTUBULAR, WITH HYPOCALCIURIA; POTASSIUM AND MAGNESIUM DEPLETION. Identifiers: Orphanet 358, MedGen C0268450, MONDO:0009904, OMIM 263800.

Allele frequency attached by ClinVar (database versions not stated): gnomAD exomes below 0.00001; 1000 Genomes Project 30x 0.00016; gnomAD 0.00001; 1000 Genomes Project 0.00020.
gnomAD v4.1: 1 of 1,614,204 alleles (0.000062%); highest among the groups gnomAD compares: East Asian, 0.0022%; no homozygotes.

Submission:

European Hospital Georges Pompidou Genetics Department, Assistance Publique - Hôpitaux de Paris AP-HP
Classification: Uncertain significance for Familial hypokalemia-hypomagnesemia. Last evaluated: 2022-04-27. Review status: criteria provided, single submitter. Criteria: ACMG Guidelines, 2015. Collection method: clinical testing. Allele origin: germline. Affected: yes.
Comment: ACMG criteria used:PM2 PP3

NM_001126108.2(SLC12A3):c.3056A>G (p.Tyr1019Cys)

Genes: SLC12A3 (solute carrier family 12 member 3; plus strand), LOC126862361 (CDK7 strongly-dependent group 2 enhancer GRCh37_chr16:56946332-56947531; plus strand). Cytogenetic location: 16q13.
Variant type: single nucleotide variant.
Coding change: c.3056A>G on transcript NM_001126108.2 (MANE Select); coding-DNA position 3056, A replaced by G.
Protein change: p.Tyr1019Cys; replaces tyrosine 1019 with cysteine.
Molecular consequence: missense variant.
Genome position (GRCh38, 1-based): chr16:56,913,395, A>G. VCF-style: chr16-56913395-A-G. GRCh37 (hg19) VCF-style: chr16-56947307-A-G.
Other names: c.3083A>G, p.Tyr1028Cys (NM_000339.3); c.3080A>G, p.Tyr1027Cys (NM_001126107.2); short protein forms Y1019C, Y1027C, Y1028C.
Identifiers: ClinVar variation 1684180 (VCV001684180.1), dbSNP rs572393663, ClinGen allele CA281526697.